The following is an entry in ClinVar:

ClinVar aggregate classification (germline): Uncertain significance (1 of 4 stars; one submission).

Conditions:
Hyperekplexia 3 (HKPX3). Also called: HYPEREKPLEXIA 3, AUTOSOMAL RECESSIVE; HYPEREKPLEXIA 3, AUTOSOMAL DOMINANT. Identifiers: Orphanet 3197, MedGen C3553288, MONDO:0013827, OMIM 614618.

gnomAD v4.1: 1 of 1,613,450 alleles (0.000062%); highest among the groups gnomAD compares: Non-Finnish European, 0.000085%; no homozygotes.

Submission:

Labcorp Genetics (formerly Invitae), Labcorp
Classification: Uncertain significance for Hyperekplexia 3. Last evaluated: 2024-06-28. Review status: criteria provided, single submitter. Criteria: Invitae Variant Classification Sherloc (09022015). Collection method: clinical testing. Allele origin: germline.
Comment: This sequence change replaces isoleucine, which is neutral and non-polar, with valine, which is neutral and non-polar, at codon 643 of the SLC6A5 protein (p.Ile643Val). This variant is not present in population databases (gnomAD no frequency). This variant has not been reported in the literature in individuals affected with SLC6A5-related conditions. Advanced modeling of protein sequence and biophysical properties (such as structural, functional, and spatial information, amino acid conservation, physicochemical variation, residue mobility, and thermodynamic stability) performed at Invitae indicates that this missense variant is not expected to disrupt SLC6A5 protein function with a negative predictive value of 80%. In summary, the available evidence is currently insufficient to determine the role of this variant in disease. Therefore, it has been classified as a Variant of Uncertain Significance.

NM_004211.5(SLC6A5):c.1927A>G (p.Ile643Val)

Gene: SLC6A5 (solute carrier family 6 member 5; plus strand). Cytogenetic location: 11p15.1.
Variant type: single nucleotide variant.
Coding change: c.1927A>G on transcript NM_004211.5 (MANE Select); coding-DNA position 1927, A replaced by G.
Protein change: p.Ile643Val; replaces isoleucine 643 with valine.
Molecular consequence: missense variant.
Genome position (GRCh38, 1-based): chr11:20,638,516, A>G. VCF-style: chr11-20638516-A-G. GRCh37 (hg19) VCF-style: chr11-20660062-A-G.
Other names: c.1225A>G, p.Ile409Val (NM_001318369.2); short protein forms I409V, I643V.
Identifiers: ClinVar variation 3714630 (VCV003714630.2).